The following is an entry in ClinVar:

NM_177433.3(MAGED2):c.316_336del (p.Thr106_Asp112del)

Gene: MAGED2 (MAGE family member D2; plus strand). Cytogenetic location: Xp11.21.
Variant type: Deletion.
Coding change: c.316_336del on transcript NM_177433.3 (MANE Select); coding-DNA positions 316 to 336, 21 bases deleted (ACCAAGAAACAGAATGCTGAC).
Protein change: p.Thr106_Asp112del.
Molecular consequence: inframe deletion.
Genome position (GRCh38, 1-based): chrX:54,809,992-54,810,012, ACCAAGAAACAGAATGCTGAC deleted; deleting any 21 consecutive bases within chrX:54,809,986-54,810,012 gives the same sequence; the c. name uses the placement nearest the transcript's 3' end. VCF-style (leftmost placement, unchanged base first): chrX-54809985-AGCTGACACCAAGAAACAGAAT-A. GRCh37 (hg19) VCF-style: chrX-54836418-AGCTGACACCAAGAAACAGAAT-A.
Other names: c.316_336del, p.Thr106_Asp112del (NM_201222.3, NM_014599.6); c.316_336delACCAAGAAACAGAATGCTGAC (NM_177433.3).
Identifiers: ClinVar variation 1204984 (VCV001204984.3), dbSNP rs2147631297, ClinGen allele CA2499226796.

ClinVar aggregate classification (germline): Uncertain significance (1 of 4 stars; one submission).

Submission:

GeneDx
Classification: Uncertain significance. Last evaluated: 2021-01-06. Review status: criteria provided, single submitter. Criteria: GeneDx Variant Classification Process June 2021. Collection method: clinical testing. Allele origin: germline. Affected: yes.
Comment: Not observed in large population cohorts (Lek et al., 2016); In-frame deletion of 7 amino acids in a non-repeat region; In silico analysis supports a deleterious effect on protein structure/function; Has not been previously published as pathogenic or benign to our knowledge